The following is an entry in ClinVar:

NM_198999.3(SLC26A5):c.1236_1252del (p.Ala413fs)

Gene: SLC26A5 (solute carrier family 26 member 5; minus strand). Cytogenetic location: 7q22.1.
Variant type: Deletion.
Coding change: c.1236_1252del on transcript NM_198999.3 (MANE Select); coding-DNA positions 1236 to 1252, 17 bases deleted (TGCAGGTTGTTTGGCCT).
Protein change: p.Ala413fs; shifts the reading frame from alanine 413.
Molecular consequence: frameshift variant. On other transcripts: non-coding transcript variant (4), intron variant (1).
Genome position (GRCh38, 1-based): chr7:103,390,488-103,390,504, AGGCCAAACAACCTGCA deleted on the plus strand (TGCAGGTTGTTTGGCCT on the coding strand, the reverse complement: SLC26A5 is on the minus strand); deleting any 17 consecutive bases within chr7:103,390,488-103,390,506 gives the same sequence; the c. name uses the placement nearest the transcript's 3' end. VCF-style (leftmost placement, unchanged base first): chr7-103390487-GAGGCCAAACAACCTGCA-G. GRCh37 (hg19) VCF-style: chr7-103030934-GAGGCCAAACAACCTGCA-G.
Other names: c.1236_1252del, p.Ala413fs (NM_001167962.2, NM_001321787.2, NM_206883.3 and 1 more transcripts); c.971+7428_971+7444del (NM_206885.3); short protein forms A413fs.
Identifiers: ClinVar variation 4714782 (VCV004714782.1).

ClinVar aggregate classification (germline): Pathogenic (1 of 4 stars; one submission).

Submission:

Labcorp Genetics (formerly Invitae), Labcorp
Classification: Pathogenic. Last evaluated: 2025-10-07. Review status: criteria provided, single submitter. Criteria: Invitae Variant Classification Sherloc (09022015). Collection method: clinical testing. Allele origin: germline.
Comment: This sequence change creates a premature translational stop signal (p.Ala413Ilefs*15) in the SLC26A5 gene. It is expected to result in an absent or disrupted protein product. Loss-of-function variants in SLC26A5 are known to be pathogenic (PMID: 12239568, 24164807). This variant is not present in population databases (gnomAD no frequency). This variant has not been reported in the literature in individuals affected with SLC26A5-related conditions. For these reasons, this variant has been classified as Pathogenic.

Literature cited by the submitters: PubMed 12239568; PubMed 24164807.